The following is an entry in ClinVar:

NM_032581.4(HYCC1):c.1184A>G (p.Glu395Gly)

Gene: HYCC1 (hyccin PI4KA lipid kinase complex subunit 1; minus strand). Cytogenetic location: 7p15.3.
Variant type: single nucleotide variant.
Coding change: c.1184A>G on transcript NM_032581.4 (MANE Select); coding-DNA position 1184, A replaced by G.
Protein change: p.Glu395Gly; replaces glutamic acid 395 with glycine.
Molecular consequence: missense variant. On other transcripts: 3 prime UTR variant (2).
Genome position (GRCh38, 1-based): chr7:22,945,971, T>C on the plus strand (A>G on the coding strand, the complement: HYCC1 is on the minus strand). VCF-style: chr7-22945971-T-C. GRCh37 (hg19) VCF-style: chr7-22985590-T-C.
Other names: c.*220A>G (NM_001363466.2); c.*178A>G (NM_001363467.2); short protein forms E395G.
Identifiers: ClinVar variation 536256 (VCV000536256.7), dbSNP rs972215357, ClinGen allele CA155210605.

ClinVar aggregate classification (germline): Uncertain significance (1 of 4 stars; one submission).

Conditions:
Hypomyelination and Congenital Cataract (HLD5). Also called: hypomyelinating leukodystrophy 5. Identifiers: Orphanet 85163, MedGen C1864663, MONDO:0012514, OMIM 610532.

Allele frequency attached by ClinVar (database versions not stated): gnomAD 0.00001; TOPMed 0.00002; gnomAD exomes below 0.00001.
gnomAD v4.1: 15 of 1,613,768 alleles (0.00093%); highest among the groups gnomAD compares: African/African-American, 0.0013%; no homozygotes.

Submission:

Labcorp Genetics (formerly Invitae), Labcorp
Classification: Uncertain significance for Hypomyelination and Congenital Cataract. Last evaluated: 2025-08-21. Review status: criteria provided, single submitter. Criteria: Invitae Variant Classification Sherloc (09022015). Collection method: clinical testing. Allele origin: germline.
Comment: This sequence change replaces glutamic acid, which is acidic and polar, with glycine, which is neutral and non-polar, at codon 395 of the FAM126A protein (p.Glu395Gly). This variant is present in population databases (no rsID available, gnomAD 0.0009%). This variant has not been reported in the literature in individuals affected with FAM126A-related conditions. ClinVar contains an entry for this variant (Variation ID: 536256). Invitae Evidence Modeling of protein sequence and biophysical properties (such as structural, functional, and spatial information, amino acid conservation, physicochemical variation, residue mobility, and thermodynamic stability) indicates that this missense variant is not expected to disrupt FAM126A protein function with a negative predictive value of 80%. In summary, the available evidence is currently insufficient to determine the role of this variant in disease. Therefore, it has been classified as a Variant of Uncertain Significance.